The following is an entry in ClinVar:

NM_145886.4(PIDD1):c.1510C>T (p.Gln504Ter)

Gene: PIDD1 (p53-induced death domain protein 1; minus strand). Cytogenetic location: 11p15.5.
Variant type: single nucleotide variant.
Coding change: c.1510C>T on transcript NM_145886.4 (MANE Select); coding-DNA position 1510, C replaced by T.
Protein change: p.Gln504Ter; replaces glutamine 504 with a stop codon.
Molecular consequence: nonsense.
Genome position (GRCh38, 1-based): chr11:801,338, G>A on the plus strand (C>T on the coding strand, the complement: PIDD1 is on the minus strand). VCF-style: chr11-801338-G-A. GRCh37 (hg19) VCF-style: chr11-801338-G-A.
Other names: c.1510C>T, p.Gln504Ter (NM_145887.4); short protein forms Q504*.
Identifiers: ClinVar variation 4855498 (VCV004855498.1).
Genomic context (GRCh38, chr11:801,338, plus strand): 5'-CGCTCTGTGACAGGCACAGCAGGGGGCTCACTGCAGCCTCTGGTTCTCCCAGGAGGGCCT[G>A]CAGCTCTCGGCCAGCCATGCGCACCACCTGGGGCAGACAGGCCCCCTGAGCACCTGCCTG-3'

ClinVar aggregate classification (germline): Likely pathogenic (1 of 4 stars; one submission).

Conditions:
Intellectual developmental disorder, autosomal recessive 75, with neuropsychiatric features and variant lissencephaly (MRT75). Identifiers: MedGen C5676961, MONDO:0030785, OMIM 619827.

gnomAD v4.1: 8 of 1,609,056 alleles (0.0005%); highest among the groups gnomAD compares: South Asian, 0.0011%; no homozygotes.

Submission:

3billion
Classification: Likely pathogenic for Intellectual developmental disorder, autosomal recessive 75, with neuropsychiatric features and variant lissencephaly. Last evaluated: 2025-08-18. Review status: criteria provided, single submitter. Criteria: ACMG Guidelines, 2015. Collection method: clinical testing. Allele origin: germline. Affected: yes.
Comment: The variant is observed at an extremely low frequency in the gnomAD v4.1.0 dataset (total allele frequency: <0.001%). Predicted Consequence/Location: Stop-gained (nonsense): predicted to result in a loss or disruption of normal protein function through nonsense-mediated decay (NMD) or protein truncation. Multiple pathogenic variants are reported downstream of the variant. Therefore, this variant is classified as Likely pathogenic according to the recommendation of ACMG/AMP guideline.